The following is an entry in ClinVar:

NM_000138.5(FBN1):c.7699G>C (p.Asp2567His)

Gene: FBN1 (fibrillin 1; minus strand). Cytogenetic location: 15q21.1.
Variant type: single nucleotide variant.
Coding change: c.7699G>C on transcript NM_000138.5 (MANE Select); coding-DNA position 7699, G replaced by C.
Protein change: p.Asp2567His; replaces aspartic acid 2567 with histidine.
Molecular consequence: missense variant.
Genome position (GRCh38, 1-based): chr15:48,421,558, C>G on the plus strand (G>C on the coding strand, the complement: FBN1 is on the minus strand). VCF-style: chr15-48421558-C-G. GRCh37 (hg19) VCF-style: chr15-48713755-C-G.
Other names: c.7699G>C, p.Asp2567His (NM_001406716.1); short protein forms D2567H.
Identifiers: ClinVar variation 4255458 (VCV004255458.1).

ClinVar aggregate classification (germline): Likely pathogenic (1 of 4 stars; one submission).

Conditions:
Familial thoracic aortic aneurysm and aortic dissection (TAAD). Also called: Thoracic aortic aneurysms and dissections. Identifiers: Orphanet 91387, MedGen C4707243, MONDO:0019625.

Submission:

Ambry Genetics
Classification: Likely pathogenic for Familial thoracic aortic aneurysm and aortic dissection. Last evaluated: 2025-07-28. Review status: criteria provided, single submitter. Criteria: Ambry Variant Classification Scheme 2023. Collection method: clinical testing. Allele origin: germline.
Comment: The p.D2567H variant (also known as c.7699G>C), located in coding exon 61 of the FBN1 gene, results from a G to C substitution at nucleotide position 7699. The aspartic acid at codon 2567 is replaced by histidine, an amino acid with similar properties. However, this change occurs in the last base pair of coding exon 61, which makes it likely to have some effect on normal mRNA splicing. This variant was reported in individual(s) with features consistent with Marfan syndrome (Ambry internal data). This variant alters a conserved residue in the calcium-binding consensus sequence of a cbEGF domain and is expected to disrupt FBN1 function (Handford PA et al. Nature. 1991; 351(6322):164-7). This variant is considered to be rare based on population cohorts in the Genome Aggregation Database (gnomAD). This nucleotide position is highly conserved in available vertebrate species. This amino acid position is highly conserved in available vertebrate species. In silico splice site analysis predicts that this alteration will weaken the native splice donor site and may result in the creation or strengthening of a novel splice donor site. In addition, as a missense substitution, this is predicted to be deleterious by in silico analysis. Based on the majority of available evidence to date, this variant is likely to be pathogenic.